The following is an entry in ClinVar:

ClinVar aggregate classification (germline): Uncertain significance (1 of 4 stars; one submission).

Conditions:
Xanthinuria type II. Also called: Xanthine dehydrogenase and aldehyde oxidase combined deficiency of; XDH and AOX dual deficiency. Identifiers: Orphanet 3467, Orphanet 93602, MedGen C1863688, MONDO:0011346, OMIM 603592.

Allele frequency attached by ClinVar (database versions not stated): ExAC 0.00001; gnomAD 0.00001; gnomAD exomes 0.00001.
gnomAD v4.1: 19 of 1,613,764 alleles (0.0012%); highest among the groups gnomAD compares: Middle Eastern, 0.052%; no homozygotes.

Submission:

Labcorp Genetics (formerly Invitae), Labcorp
Classification: Uncertain significance for Xanthinuria type II. Last evaluated: 2024-11-05. Review status: criteria provided, single submitter. Criteria: Invitae Variant Classification Sherloc (09022015). Collection method: clinical testing. Allele origin: germline.
Comment: This sequence change falls in intron 25 of the XDH gene. It does not directly change the encoded amino acid sequence of the XDH protein. It affects a nucleotide within the consensus splice site. This variant is present in population databases (rs776815171, gnomAD no frequency). This variant has not been reported in the literature in individuals affected with XDH-related conditions. ClinVar contains an entry for this variant (Variation ID: 965158). Variants that disrupt the consensus splice site are a relatively common cause of aberrant splicing (PMID: 17576681, 9536098). Algorithms developed to predict the effect of sequence changes on RNA splicing suggest that this variant is not likely to affect RNA splicing. In summary, the available evidence is currently insufficient to determine the role of this variant in disease. Therefore, it has been classified as a Variant of Uncertain Significance.

Literature cited by the submitters: PubMed 17576681; PubMed 9536098.

NM_000379.4(XDH):c.2823+3A>G

Gene: XDH (xanthine dehydrogenase; minus strand). Cytogenetic location: 2p23.1.
Variant type: single nucleotide variant.
Coding change: c.2823+3A>G on transcript NM_000379.4 (MANE Select); 3 bases into the intron after coding-DNA position 2823, A replaced by G.
Molecular consequence: intron variant.
Genome position (GRCh38, 1-based): chr2:31,350,029, T>C on the plus strand (A>G on the coding strand, the complement: XDH is on the minus strand). VCF-style: chr2-31350029-T-C. GRCh37 (hg19) VCF-style: chr2-31572895-T-C.
Identifiers: ClinVar variation 965158 (VCV000965158.5), dbSNP rs776815171, ClinGen allele CA1598676.